The following is an entry in ClinVar:

ClinVar aggregate classification (germline): Benign (1 of 4 stars; one submission).

Submission:

CeGaT Center for Human Genetics Tuebingen
Classification: Benign. Last evaluated: 2022-04-01. Review status: criteria provided, single submitter. Criteria: CeGaT Center For Human Genetics Tuebingen Variant Classification Criteria Version 2. Collection method: clinical testing. Allele origin: germline. Affected: yes. Observed: 1 variant allele.
Comment: BRAF: BS1, BS2

NM_004333.6(BRAF):c.980+2099del

Gene: BRAF (B-Raf proto-oncogene, serine/threonine kinase; minus strand). Cytogenetic location: 7q34.
Variant type: Deletion.
Coding change: c.980+2099del on transcript NM_004333.6 (MANE Select); 2099 bases into the intron after coding-DNA position 980, one base deleted (A; older notation c.980+2099delA).
Molecular consequence: intron variant.
Genome position (GRCh38, 1-based): chr7:140,798,263, T deleted on the plus strand (A on the coding strand, the reverse complement: BRAF is on the minus strand); the first of 9 consecutive T bases (chr7:140,798,263-140,798,271); deleting any one gives the same sequence. VCF-style (leftmost placement, unchanged base first): chr7-140798262-CT-C. GRCh37 (hg19) VCF-style: chr7-140498062-CT-C.
Other names: c.980+2099del (NM_001378474.1, NM_001378471.1, NM_001378468.1 and 4 more transcripts); c.878+2099del (NM_001378470.1); c.716+2099del (NM_001378475.1); c.989+2099del (NM_001378467.1); c.824+2099del (NM_001378472.1, NM_001378473.1).
Identifiers: ClinVar variation 2658083 (VCV002658083.24), dbSNP rs1025673669, ClinGen allele CA834236541.